The following is an entry in ClinVar:

ClinVar aggregate classification (germline): Pathogenic. Review status: criteria provided, multiple submitters, no conflicts (2 of 4 stars). 8 submissions from 8 submitters: Pathogenic (7). 1 of the submissions does not count toward it. Last evaluated 2025-12-05.

Conditions:
PKD1-related disorder. Also called: PKD1-related condition.
Polycystic kidney disease, adult type (PKD1). Also called: POLYCYSTIC KIDNEY DISEASE, ADULT, TYPE I; Polycystic Kidney Disease 1, Autosomal Dominant; Polycystic kidney disease 1; Polycystic kidney disease 1, severe; Polycystic Kidney, Autosomal Dominant; POLYCYSTIC KIDNEY DISEASE 1 WITH OR WITHOUT POLYCYSTIC LIVER DISEASE. Identifiers: MedGen C3149841, MONDO:0008263, OMIM 173900.
Inborn genetic diseases. Identifiers: MedGen C0950123, MeSH D030342.

Submissions (8):

Variantyx, Inc.
Classification: Pathogenic for Polycystic kidney disease, adult type. Last evaluated: 2025-12-05. Review status: criteria provided, single submitter. Criteria: Variantyx Assertion Criteria 2022. Collection method: clinical testing. Allele origin: germline. Inheritance: Autosomal dominant inheritance. Affected: yes.
Comment: This is a nonsense variant in the PKD1 gene (OMIM: 601313). Pathogenic variants in this gene have been associated with autosomal dominant polycystic kidney disease 1. This variant introduces a premature termination codon in exon 11 out of 46 and is expected to result in loss of function, which is a known disease mechanism for PKD1 in this disorder (PMID: 25491204, 24694054, 29529603) (PVS1). This variant has been reported in at least 4 unrelated affected individuals (PMID: 35325889, 36938073, 31740684, 22508176) (PS4_Moderate), while it is absent from control populations (PM2). Based on the current evidence, this variant is classified as pathogenic for autosomal dominant polycystic kidney disease 1.This variant was reported by previous genetic testing.

Victorian Clinical Genetics Services, Murdoch Childrens Research Institute
Classification: Pathogenic for Polycystic kidney disease, adult type. Last evaluated: 2025-11-10. Review status: criteria provided, single submitter. Criteria: ACMG Guidelines, 2015. Collection method: clinical testing. Allele origin: germline. Affected: yes.
Comment: This variant is classified as Pathogenic. Evidence in support of pathogenic classification: Variant is predicted to cause nonsense-mediated decay (NMD) and loss of protein (premature termination codon is located at least 54 nucleotides upstream of the final exon-exon junction); Variant is absent from gnomAD (v2, v3 and v4); This variant has strong previous evidence of pathogenicity in unrelated individuals. This variant has been classified as pathogenic by clinical laboratories in ClinVar; Other NMD-predicted variant(s) comparable to the one identified in this case have very strong previous evidence for pathogenicity (DECIPHER). Additional information: This variant is heterozygous; This gene is associated with autosomal dominant disease. Polycystic kidney disease 1 (MIM#173900) is predominantly caused by monoallelic variants, with rare reports of biallelic variants causing disease (OMIM); Loss of function is a known mechanism of disease in this gene and is associated with polycystic kidney disease 1 (MIM#173900); Inheritance information for this variant is not currently available in this individual.

GeneDx
Classification: Pathogenic. Last evaluated: 2023-08-18. Review status: criteria provided, single submitter. Criteria: GeneDx Variant Classification Process June 2021. Collection method: clinical testing. Allele origin: germline. Affected: yes.
Comment: Nonsense variant predicted to result in protein truncation and nonsense mediated decay in a gene for which loss-of-function is a known mechanism of disease; Not observed at significant frequency in large population cohorts (gnomAD); This variant is associated with the following publications: (PMID: 22508176, 31740684, 27499327)

Blueprint Genetics
Classification: Pathogenic for PKD1-related disorders. Last evaluated: 2021-11-16. Review status: criteria provided, single submitter. Criteria: ACMG Guidelines, 2015. Collection method: clinical testing. Allele origin: germline. Affected: yes. Observed: 1 variant allele.

Ambry Genetics
Classification: Pathogenic for Inborn genetic diseases. Last evaluated: 2021-11-15. Review status: criteria provided, single submitter. Criteria: Ambry Variant Classification Scheme 2023. Collection method: clinical testing. Allele origin: germline.
Comment: The c.2152C>T (p.Q718*) alteration, located in exon 11 (coding exon 11) of the PKD1 gene, consists of a C to T substitution at nucleotide position 2152. This changes the amino acid from a glutamine (Q) to a stop codon at amino acid position 718. This alteration is expected to result in loss of function by premature protein truncation or nonsense-mediated mRNA decay. This variant was not reported in population-based cohorts in the Genome Aggregation Database (gnomAD). This mutation has been reported in several individuals with autosomal dominant polycystic kidney disease (Audr&eacute;zet, 2012; Carrera, 2016; Kim, 2019). Based on the available evidence, this alteration is classified as pathogenic.

Fulgent Genetics
Classification: Pathogenic for Polycystic kidney disease, adult type. Last evaluated: 2021-06-30. Review status: criteria provided, single submitter. Criteria: ACMG Guidelines, 2015. Collection method: clinical testing. Allele origin: unknown.
Comment: This variant has been detected in individual(s) who were sent for testing of Renasight - kidney gene panel.

ARUP Laboratories, Molecular Genetics and Genomics, ARUP Laboratories
Classification: Pathogenic. Last evaluated: 2017-03-25. Review status: criteria provided, single submitter. Criteria: ARUP Molecular Germline Variant Investigation Process. Collection method: clinical testing. Allele origin: germline.

PreventionGenetics, part of Exact Sciences
Classification: Pathogenic for PKD1-related condition. Last evaluated: 2024-07-22. Review status: no assertion criteria provided. Collection method: clinical testing. Allele origin: germline. Not counted in ClinVar's aggregate classification.
Comment: The PKD1 c.2152C>T variant is predicted to result in premature protein termination (p.Gln718*). This variant has been reported to be causative for autosomal dominant polycystic kidney disease (ADPKD) (see for example, Supp. Table S4 in Audrézet et al. 2012. PubMed ID: 22508176). This variant has not been reported in a large population database, indicating this variant is rare. Nonsense variants in PKD1 are expected to be pathogenic. This variant is interpreted as pathogenic.

Literature cited by the submitters: PubMed 25491204 (cited by Variantyx, Inc.); PubMed 24694054 (cited by Variantyx, Inc.); PubMed 29529603 (cited by Variantyx, Inc.); PubMed 35325889 (cited by Variantyx, Inc.); PubMed 36938073 (cited by Variantyx, Inc.); PubMed 31740684 (cited by Variantyx, Inc. and Ambry Genetics); PubMed 22508176 (cited by Variantyx, Inc. and Ambry Genetics); PubMed 27499327 (cited by Ambry Genetics).

NM_001009944.3(PKD1):c.2152C>T (p.Gln718Ter)

Gene: PKD1 (polycystin 1, transient receptor potential channel interacting; minus strand). Cytogenetic location: 16p13.3.
Variant type: single nucleotide variant.
Coding change: c.2152C>T on transcript NM_001009944.3 (MANE Select); coding-DNA position 2152, C replaced by T.
Protein change: p.Gln718Ter; replaces glutamine 718 with a stop codon.
Molecular consequence: nonsense.
Genome position (GRCh38, 1-based): chr16:2,114,871, G>A on the plus strand (C>T on the coding strand, the complement: PKD1 is on the minus strand). VCF-style: chr16-2114871-G-A. GRCh37 (hg19) VCF-style: chr16-2164872-G-A.
Other names: c.2152C>T, p.Gln718Ter (NM_000296.4); short protein forms Q718*.
Identifiers: ClinVar variation 440133 (VCV000440133.19), dbSNP rs1555458032, ClinGen allele CA394389261.
Genomic context (GRCh38, chr16:2,114,871, plus strand): 5'-GACCAGGGTGGCCGGGAGCCGGCGAGCAGTGCAGGAGGGCGCCAGGGCCAGCGTCGTGCT[G>A]CAAGCCAACGAGGTCACCAGGGAGCATGAGGACATCCTGGCCGTGGAGGGTGACCTGTGG-3'